The following is an entry in ClinVar:

NM_004415.4(DSP):c.6810_6811del (p.Lys2271fs)

Gene: DSP (desmoplakin; plus strand). Cytogenetic location: 6p24.3.
Variant type: Deletion.
Coding change: c.6810_6811del on transcript NM_004415.4 (MANE Select); coding-DNA positions 6810 to 6811, 2 bases deleted (GA; older notation c.6810_6811delGA).
Protein change: p.Lys2271fs; shifts the reading frame from lysine 2271.
Molecular consequence: frameshift variant.
Genome position (GRCh38, 1-based): chr6:7,584,072-7,584,073, GA deleted; deleting any 2 consecutive bases within chr6:7,584,071-7,584,073 gives the same sequence; the c. name uses the placement nearest the transcript's 3' end. VCF-style (leftmost placement, unchanged base first): chr6-7584070-CAG-C. GRCh37 (hg19) VCF-style: chr6-7584303-CAG-C.
Other names: c.5013_5014del, p.Lys1672fs (NM_001008844.3); c.5481_5482del, p.Lys1828fs (NM_001319034.2); short protein forms K1672fs, K1828fs, K2271fs.
Identifiers: ClinVar variation 4852585 (VCV004852585.1).
Genomic context (GRCh38, chr6:7,584,070, plus strand): 5'-ATTAAGGACTTCCTCCAGGGTTCAAGCTGCATAGCAGGCATATACAATGAGACCACAAAA[CAG>C]AAGCTTGGCATTTATGAGGCCATGAAAATTGGCTTAGTCCGACCTGGTACTGCTCTGGAG-3'

ClinVar aggregate classification (germline): Likely pathogenic (1 of 4 stars; one submission).

Conditions:
Arrhythmogenic right ventricular dysplasia 8 (ARVD8). Also called: Arrhythmogenic Right Ventricular Dysplasia/Cardiomyopathy 8; ARRHYTHMOGENIC RIGHT VENTRICULAR DYSPLASIA, FAMILIAL, 8; ARRHYTHMOGENIC RIGHT VENTRICULAR CARDIOMYOPATHY 8. Identifiers: MedGen C1843896, MONDO:0011831, OMIM 607450.

Submission:

Molecular Genetics Laboratory, Motol Hospital
Classification: Likely pathogenic for Arrhythmogenic right ventricular dysplasia 8. Last evaluated: 2026-05-29. Review status: criteria provided, single submitter. Criteria: ACMG Guidelines, 2015. Collection method: clinical testing. Allele origin: germline. Inheritance: Sporadic. Affected: yes. Observed: 1 variant allele, 1 heterozygote.
Comment: Rare variant not present in non-Finnish European population (PM2). Rare truncating variants in the DSP gene are associated with multiple conditions, including autosomal dominant (hypertrophic) cardiomyopathy (PVS1). The variant c.6810_6811del is classified as likely pathogenic.

Literature cited by the submitters: PubMed 32372669.